The following is an entry in ClinVar:

NM_030665.4(RAI1):c.4937G>A (p.Gly1646Glu)

Gene: RAI1 (retinoic acid induced 1; plus strand). Cytogenetic location: 17p11.2.
Variant type: single nucleotide variant.
Coding change: c.4937G>A on transcript NM_030665.4 (MANE Select); coding-DNA position 4937, G replaced by A.
Protein change: p.Gly1646Glu; replaces glycine 1646 with glutamic acid.
Molecular consequence: missense variant.
Genome position (GRCh38, 1-based): chr17:17,797,885, G>A. VCF-style: chr17-17797885-G-A. GRCh37 (hg19) VCF-style: chr17-17701199-G-A.
Other names: short protein forms G1646E.
Identifiers: ClinVar variation 4762771 (VCV004762771.1).

ClinVar aggregate classification (germline): Uncertain significance (1 of 4 stars; one submission).

gnomAD v4.1: 3 of 1,613,862 alleles (0.00019%); highest among the groups gnomAD compares: Non-Finnish European, 0.00025%; no homozygotes.

Submission:

Labcorp Genetics (formerly Invitae), Labcorp
Classification: Uncertain significance. Last evaluated: 2025-02-26. Review status: criteria provided, single submitter. Criteria: Invitae Variant Classification Sherloc (09022015). Collection method: clinical testing. Allele origin: germline.
Comment: This sequence change replaces glycine, which is neutral and non-polar, with glutamic acid, which is acidic and polar, at codon 1646 of the RAI1 protein (p.Gly1646Glu). This variant is not present in population databases (gnomAD no frequency). This variant has not been reported in the literature in individuals affected with RAI1-related conditions. Invitae Evidence Modeling of protein sequence and biophysical properties (such as structural, functional, and spatial information, amino acid conservation, physicochemical variation, residue mobility, and thermodynamic stability) indicates that this missense variant is not expected to disrupt RAI1 protein function with a negative predictive value of 80%. In summary, the available evidence is currently insufficient to determine the role of this variant in disease. Therefore, it has been classified as a Variant of Uncertain Significance.